The following is an entry in ClinVar:

NM_001105206.3(LAMA4):c.2693C>A (p.Ala898Glu)

Genes: LAMA4 (laminin subunit alpha 4; minus strand), LOC126859766 (MED14-independent group 3 enhancer GRCh37_chr6:112462018-112463217; plus strand). Cytogenetic location: 6q21.
Variant type: single nucleotide variant.
Coding change: c.2693C>A on transcript NM_001105206.3 (MANE Select); coding-DNA position 2693, C replaced by A.
Protein change: p.Ala898Glu; replaces alanine 898 with glutamic acid.
Molecular consequence: missense variant.
Genome position (GRCh38, 1-based): chr6:112,141,478, G>T on the plus strand (C>A on the coding strand, the complement: LAMA4 is on the minus strand). VCF-style: chr6-112141478-G-T. GRCh37 (hg19) VCF-style: chr6-112462680-G-T.
Other names: c.2672C>A, p.Ala891Glu (NM_001105207.3, NM_002290.5); short protein forms A898E, A891E.
Identifiers: ClinVar variation 3643844 (VCV003643844.3).

ClinVar aggregate classification (germline): Uncertain significance. Review status: criteria provided, multiple submitters, no conflicts (2 of 4 stars). 2 submissions from 2 submitters: Uncertain significance (2). Last evaluated 2025-06-18.

Conditions:
Dilated cardiomyopathy 1JJ (CMD1JJ). Identifiers: Orphanet 154, MedGen C3808935, MONDO:0014095, OMIM 615235.
Cardiovascular phenotype. Identifiers: MedGen CN230736.

gnomAD v4.1: 2 of 1,608,502 alleles (0.00012%); highest among the groups gnomAD compares: African/African-American, 0.0027%; no homozygotes.

Submissions (2):

Labcorp Genetics (formerly Invitae), Labcorp
Classification: Uncertain significance for Dilated cardiomyopathy 1JJ. Last evaluated: 2025-06-18. Review status: criteria provided, single submitter. Criteria: Invitae Variant Classification Sherloc (09022015). Collection method: clinical testing. Allele origin: germline.
Comment: This sequence change replaces alanine, which is neutral and non-polar, with glutamic acid, which is acidic and polar, at codon 891 of the LAMA4 protein (p.Ala891Glu). This variant is present in population databases (no rsID available, gnomAD 0.007%). This variant has not been reported in the literature in individuals affected with LAMA4-related conditions. ClinVar contains an entry for this variant (Variation ID: 3643844). Invitae Evidence Modeling of protein sequence and biophysical properties (such as structural, functional, and spatial information, amino acid conservation, physicochemical variation, residue mobility, and thermodynamic stability) indicates that this missense variant is not expected to disrupt LAMA4 protein function with a negative predictive value of 80%. In summary, the available evidence is currently insufficient to determine the role of this variant in disease. Therefore, it has been classified as a Variant of Uncertain Significance.

Ambry Genetics
Classification: Uncertain significance for Cardiovascular phenotype. Last evaluated: 2025-04-14. Review status: criteria provided, single submitter. Criteria: Ambry Variant Classification Scheme 2023. Collection method: clinical testing. Allele origin: germline.
Comment: The p.A891E variant (also known as c.2672C>A), located in coding exon 20 of the LAMA4 gene, results from a C to A substitution at nucleotide position 2672. The alanine at codon 891 is replaced by glutamic acid, an amino acid with dissimilar properties. This amino acid position is conserved. In addition, this alteration is predicted to be deleterious by in silico analysis. Based on the available evidence, the clinical significance of this variant remains unclear.